The following is an entry in ClinVar:

ClinVar aggregate classification (germline): Benign/Likely benign. Review status: criteria provided, multiple submitters, no conflicts (2 of 4 stars). 7 submissions from 6 submitters: Benign (5); Likely benign (2). Last evaluated 2026-09-21.

Conditions:
Familial hypercholesterolemia. Also called: Familial hypercholesterolaemia; Familial hypercholesterolemias. Identifiers: MedGen C0020445, MONDO:0005439.
Hypercholesterolemia, familial, 1. Also called: LDL RECEPTOR DISORDER; Hyperlipoproteinemia Type IIa; HYPER-LOW-DENSITY-LIPOPROTEINEMIA; HYPERCHOLESTEROLEMIC XANTHOMATOSIS, FAMILIAL; Fredrickson type IIa hyperlipoproteinemia; Hyperlipoproteinemia type 2. Identifiers: Orphanet 391665, MedGen C0745103, MONDO:0007750, OMIM 143890.
Hypercholesterolemia, autosomal dominant, 3 (FHCL3). Also called: Familial hypercholesterolemia 3; Familial Hypercholesterolemia, Autosomal Dominant, 3; PCSK9-Related Familial Hypercholesterolemia, Autosomal Dominant. Identifiers: MedGen C1863551, MONDO:0011369, OMIM 603776.
Cardiovascular phenotype. Identifiers: MedGen CN230736.

Submissions (7):

Molecular Diagnostic Laboratory for Inherited Cardiovascular Disease, Montreal Heart Institute
Classification: Benign. Last evaluated: 2026-09-21. Review status: criteria provided, single submitter. Criteria: ACMG Guidelines, 2015. Collection method: clinical testing. Allele origin: germline. Affected: no.
Comment: BA1

Labcorp Genetics (formerly Invitae), Labcorp
Classification: Benign for Hypercholesterolemia, autosomal dominant, 3. Last evaluated: 2026-02-04. Review status: criteria provided, single submitter. Criteria: Invitae Variant Classification Sherloc (09022015). Collection method: clinical testing. Allele origin: germline.

ARUP Laboratories, Molecular Genetics and Genomics, ARUP Laboratories
Classification: Benign. Last evaluated: 2025-07-30. Review status: criteria provided, single submitter. Criteria: ARUP Molecular Germline Variant Investigation Process 2024. Collection method: clinical testing. Allele origin: germline.

Blueprint Genetics
Classification: Benign. Last evaluated: 2024-11-26. Review status: criteria provided, single submitter. Criteria: ACMG Guidelines, 2015. Collection method: clinical testing. Allele origin: germline.

Color Diagnostics, LLC DBA Color Health
Classification: Benign for Familial hypercholesterolemia. Last evaluated: 2017-08-28. Review status: criteria provided, single submitter. Criteria: ACMG Guidelines, 2015. Collection method: clinical testing. Allele origin: germline.

Color Diagnostics, LLC DBA Color Health
Classification: Likely benign for Familial hypercholesterolemias. Last evaluated: 2017-08-05. Review status: criteria provided, single submitter. Criteria: ACMG Guidelines, 2015. Collection method: clinical testing. Allele origin: germline.

Ambry Genetics
Classification: Likely benign for Cardiovascular phenotype. Last evaluated: 2016-10-27. Review status: criteria provided, single submitter. Criteria: Ambry Variant Classification Scheme 2023. Collection method: clinical testing. Allele origin: germline.

NM_174936.4(PCSK9):c.1503+20GT[19]

Gene: PCSK9 (proprotein convertase subtilisin/kexin type 9; plus strand). Cytogenetic location: 1p32.3.
Variant type: Microsatellite.
Coding change: c.1503+20GT[19] on transcript NM_174936.4 (MANE Select); 19 copies in a row of the 2-base unit GT starting at c.1503+20; the reference has 26 copies in a row; seven copies, 14 bases deleted.
Molecular consequence: intron variant.
Genome position (GRCh38, 1-based): chr1:55,058,705-55,058,718, GTGTGTGTGTGTGT deleted; deleting any 14 consecutive bases within chr1:55,058,667-55,058,718 gives the same sequence; the position shown is the placement nearest the transcript's 3' end. VCF-style (leftmost placement, unchanged base first): chr1-55058666-CGTGTGTGTGTGTGT-C. GRCh37 (hg19) VCF-style: chr1-55524339-CGTGTGTGTGTGTGT-C.
Other names: c.1503+20GT[19] (NM_174936.3); c.1503+58_1503+71delGTGTGTGTGTGTGT (NM_174936.3); c.1503+58_1503+71del14 (NM_174936.3).
Identifiers: ClinVar variation 492237 (VCV000492237.29), dbSNP rs35115360, ClinGen allele CA871494.